The following is an entry in ClinVar:

NM_000138.5(FBN1):c.1960+3A>G

Gene: FBN1 (fibrillin 1; minus strand). Cytogenetic location: 15q21.1.
Variant type: single nucleotide variant.
Coding change: c.1960+3A>G on transcript NM_000138.5 (MANE Select); 3 bases into the intron after coding-DNA position 1960, A replaced by G.
Molecular consequence: intron variant.
Genome position (GRCh38, 1-based): chr15:48,505,022, T>C on the plus strand (A>G on the coding strand, the complement: FBN1 is on the minus strand). VCF-style: chr15-48505022-T-C. GRCh37 (hg19) VCF-style: chr15-48797219-T-C.
Other names: c.1960+3A>G (NM_001406716.1).
Identifiers: ClinVar variation 3766598 (VCV003766598.1).

ClinVar aggregate classification (germline): Uncertain significance (1 of 4 stars; one submission).

Submission:

ARUP Laboratories, Molecular Genetics and Genomics, ARUP Laboratories
Classification: Uncertain significance. Last evaluated: 2024-05-04. Review status: criteria provided, single submitter. Criteria: ARUP Molecular Germline Variant Investigation Process 2024. Collection method: clinical testing. Allele origin: germline.
Comment: The FBN1 c.1960+3A>G; p.? variant, to our knowledge, is not reported in the medical literature or gene specific databases. This variant is also absent from the Genome Aggregation Database (v2.1.1), indicating it is not a common polymorphism. This is an intronic variant in a weakly conserved nucleotide, but computational analyses (Alamut Visual Plus v.1.5.1) predict that this variant may impact splicing by weakening the nearby canonical donor splice site. Due to limited information, the clinical significance of this variant is uncertain at this time.